The following is an entry in ClinVar:

ClinVar aggregate classification (germline): Benign. Review status: criteria provided, multiple submitters, no conflicts (2 of 4 stars). 2 submissions from 2 submitters: Benign (2). Last evaluated 2018-06-16.

Allele frequency attached by ClinVar (database versions not stated): gnomAD 0.76831 and 0.77086; TOPMed 0.77370; 1000 Genomes Project 0.79353; 1000 Genomes Project 30x 0.79435.
gnomAD v4.1: 637,734 of 866,718 alleles (74%); highest among the groups gnomAD compares: East Asian, 86%; 236,258 homozygotes.

Submissions (2):

GeneDx
Classification: Benign. Last evaluated: 2018-06-16. Review status: criteria provided, single submitter. Criteria: GeneDx Variant Classification (06012015). Collection method: clinical testing. Allele origin: germline. Affected: yes.
Comment: This variant is considered likely benign or benign based on one or more of the following criteria: it is a conservative change, it occurs at a poorly conserved position in the protein, it is predicted to be benign by multiple in silico algorithms, and/or has population frequency not consistent with disease.

Breakthrough Genomics
Classification: Benign. Review status: criteria provided, single submitter. Criteria: ACMG Guidelines, 2015. Collection method: not provided. Allele origin: germline. Inheritance: Autosomal recessive inheritance. Affected: yes.

NM_018249.6(CDK5RAP2):c.5626-109T>C

Gene: CDK5RAP2 (CDK5 regulatory subunit associated protein 2; minus strand). Cytogenetic location: 9q33.2.
Variant type: single nucleotide variant.
Coding change: c.5626-109T>C on transcript NM_018249.6 (MANE Select); 109 bases into the intron before coding-DNA position 5626, T replaced by C.
Molecular consequence: intron variant.
Genome position (GRCh38, 1-based): chr9:120,389,401, A>G on the plus strand (T>C on the coding strand, the complement: CDK5RAP2 is on the minus strand). VCF-style: chr9-120389401-A-G. GRCh37 (hg19) VCF-style: chr9-123151679-A-G.
Other names: c.4936-109T>C (NM_001272039.2); c.5389-109T>C (NM_001011649.3).
Identifiers: ClinVar variation 678323 (VCV000678323.2), dbSNP rs4836820, ClinGen allele CA13079826.